The following is an entry in ClinVar:

NM_000937.5(POLR2A):c.3802_3803del (p.Lys1268fs)

Gene: POLR2A (RNA polymerase II subunit A; plus strand). Cytogenetic location: 17p13.1.
Variant type: Deletion.
Coding change: c.3802_3803del on transcript NM_000937.5 (MANE Select); coding-DNA positions 3802 to 3803, 2 bases deleted (AA; older notation c.3802_3803delAA).
Protein change: p.Lys1268fs; shifts the reading frame from lysine 1268.
Molecular consequence: frameshift variant.
Genome position (GRCh38, 1-based): chr17:7,509,621-7,509,622, AA deleted. VCF-style (leftmost placement, unchanged base first): chr17-7509620-CAA-C. GRCh37 (hg19) VCF-style: chr17-7412939-CAA-C.
Other names: short protein forms K1268fs.
Identifiers: ClinVar variation 3365035 (VCV003365035.1).

ClinVar aggregate classification (germline): Uncertain significance (1 of 4 stars; one submission).

Submission:

GeneDx
Classification: Uncertain significance. Last evaluated: 2023-12-02. Review status: criteria provided, single submitter. Criteria: GeneDx Variant Classification Process June 2021. Collection method: clinical testing. Allele origin: germline. Affected: yes.
Comment: Frameshift variant predicted to result in protein truncation or nonsense mediated decay in a gene or region of a gene for which loss of function is not a well-established mechanism of disease; Not observed at significant frequency in large population cohorts (gnomAD); Has not been previously published as pathogenic or benign to our knowledge